The following is an entry in ClinVar:

ClinVar aggregate classification (germline): Pathogenic (1 of 4 stars; one submission).

Conditions:
RYR1-related disorder. Also called: RYR1-related disorders; RYR1-related condition. Identifiers: MedGen CN239331.

Submission:

Labcorp Genetics (formerly Invitae), Labcorp
Classification: Pathogenic for RYR1-related disorder. Last evaluated: 2023-08-16. Review status: criteria provided, single submitter. Criteria: Invitae Variant Classification Sherloc (09022015). Collection method: clinical testing. Allele origin: unknown.
Comment: For these reasons, this variant has been classified as Pathogenic. This variant has not been reported in the literature in individuals affected with RYR1-related conditions. This variant is a gross deletion of the genomic region encompassing exon(s) 21-24 of the RYR1 gene. This deletion is out-of-frame, and is expected to create a premature termination codon and result in an absent or disrupted protein product. Loss-of-function variants in RYR1 are known to be pathogenic (PMID: 23919265, 25960145, 28818389, 30611313).

Literature cited by the submitters: PubMed 23919265; PubMed 25960145; PubMed 28818389; PubMed 30611313.

NC_000019.9:g.(?_38954043)_(38957058_?)del

Gene: RYR1 (ryanodine receptor 1; plus strand). Cytogenetic location: 19q13.2.
Variant type: Deletion.
Identifiers: ClinVar variation 3248525 (VCV003248525.1).